The following is an entry in ClinVar:

ClinVar aggregate classification (germline): Pathogenic (1 of 4 stars; one submission).

Submission:

GeneDx
Classification: Pathogenic. Last evaluated: 2025-07-23. Review status: criteria provided, single submitter. Criteria: GeneDx Variant Classification Process June 2021. Collection method: clinical testing. Allele origin: germline. Affected: yes.
Comment: Nonsense variant predicted to result in protein truncation or nonsense mediated decay in a gene for which loss of function is a known mechanism of disease; Not observed at significant frequency in large population cohorts (gnomAD); This variant is associated with the following publications: (PMID: 40290495)

NM_020706.2(SCAF4):c.1693C>T (p.Arg565Ter)

Gene: SCAF4 (SR-related CTD associated factor 4; minus strand). Cytogenetic location: 21q22.11.
Variant type: single nucleotide variant.
Coding change: c.1693C>T on transcript NM_020706.2 (MANE Select); coding-DNA position 1693, C replaced by T.
Protein change: p.Arg565Ter; replaces arginine 565 with a stop codon.
Molecular consequence: nonsense.
Genome position (GRCh38, 1-based): chr21:31,691,852, G>A on the plus strand (C>T on the coding strand, the complement: SCAF4 is on the minus strand). VCF-style: chr21-31691852-G-A. GRCh37 (hg19) VCF-style: chr21-33064165-G-A.
Other names: c.1648C>T, p.Arg550Ter (NM_001145444.1); c.1693C>T, p.Arg565Ter (NM_001145445.1); short protein forms R550*, R565*.
Identifiers: ClinVar variation 4686841 (VCV004686841.1).
Genomic context (GRCh38, chr21:31,691,852, plus strand): 5'-TTAATTATAACATGTAAGACTGTACCTTTATGGATTTCTGGTTCACTTTATAGTTTCCTC[G>A]GCTCAGTTTCTGCAGGGCACGATAGGCATCTTGCCTATGAACCATAACAATATAGGCACA-3'